The following is an entry in ClinVar:

ClinVar aggregate classification (germline): Likely pathogenic (1 of 4 stars; one submission).

Conditions:
Developmental and epileptic encephalopathy, 11 (DEE11). Also called: Early infantile epileptic encephalopathy 11. Identifiers: Orphanet 1934, MedGen C3150987, MONDO:0013388, OMIM 613721.
Seizures, benign familial infantile, 3 (BFIS3). Also called: CONVULSIONS, BENIGN FAMILIAL INFANTILE, 3; Familial neonatal seizures. Identifiers: Orphanet 140927, Orphanet 306, MedGen C1843140, MONDO:0011904, OMIM 607745.

Submission:

Labcorp Genetics (formerly Invitae), Labcorp
Classification: Likely pathogenic for Seizures, benign familial infantile, 3; Developmental and epileptic encephalopathy, 11. Last evaluated: 2025-02-24. Review status: criteria provided, single submitter. Criteria: Invitae Variant Classification Sherloc (09022015). Collection method: clinical testing. Allele origin: germline.
Comment: This sequence change replaces arginine, which is basic and polar, with glycine, which is neutral and non-polar, at codon 395 of the SCN2A protein (p.Arg395Gly). This variant is not present in population databases (gnomAD no frequency). This variant has not been reported in the literature in individuals affected with SCN2A-related conditions. Invitae Evidence Modeling of protein sequence and biophysical properties (such as structural, functional, and spatial information, amino acid conservation, physicochemical variation, residue mobility, and thermodynamic stability) indicates that this missense variant is expected to disrupt SCN2A protein function with a positive predictive value of 95%. This variant disrupts the p.Arg395 amino acid residue in SCN2A. Other variant(s) that disrupt this residue have been determined to be pathogenic (PMID: 34894057). This suggests that this residue is clinically significant, and that variants that disrupt this residue are likely to be disease-causing. In summary, the currently available evidence indicates that the variant is pathogenic, but additional data are needed to prove that conclusively. Therefore, this variant has been classified as Likely Pathogenic.

Literature cited by the submitters: PubMed 34894057.

NM_001040142.2(SCN2A):c.1183C>G (p.Arg395Gly)

Gene: SCN2A (sodium voltage-gated channel alpha subunit 2; plus strand). Cytogenetic location: 2q24.3.
Variant type: single nucleotide variant.
Coding change: c.1183C>G on transcript NM_001040142.2 (MANE Select); coding-DNA position 1183, C replaced by G.
Protein change: p.Arg395Gly; replaces arginine 395 with glycine.
Molecular consequence: missense variant.
Genome position (GRCh38, 1-based): chr2:165,313,908, C>G. VCF-style: chr2-165313908-C-G. GRCh37 (hg19) VCF-style: chr2-166170418-C-G.
Other names: c.1183C>G, p.Arg395Gly (NM_001040143.2, NM_001371246.1, NM_001371247.1 and 1 more transcripts); short protein forms R395G.
Identifiers: ClinVar variation 3753655 (VCV003753655.2).